The following is an entry in ClinVar:

ClinVar aggregate classification (germline): Uncertain significance. Review status: criteria provided, multiple submitters, no conflicts (2 of 4 stars). 2 submissions from 2 submitters: Uncertain significance (2). Last evaluated 2026-01-27.

Conditions:
EGFR-related lung cancer (EGFR). Identifiers: MedGen CN130014.
Hereditary cancer-predisposing syndrome. Also called: Neoplastic Syndromes, Hereditary; Tumor predisposition; Hereditary neoplastic syndrome; Hereditary Cancer Syndrome. Identifiers: Orphanet 140162, MedGen C0027672, MeSH D009386, MONDO:0015356.

Allele frequency attached by ClinVar (database versions not stated): gnomAD 0.00001; TOPMed 0.00001; gnomAD exomes 0.00002 and 0.00003; ExAC 0.00006.
gnomAD v4.1: 32 of 1,613,754 alleles (0.002%); highest among the groups gnomAD compares: Middle Eastern, 0.016%; no homozygotes.

Submissions (2):

Labcorp Genetics (formerly Invitae), Labcorp
Classification: Uncertain significance for EGFR-related lung cancer. Last evaluated: 2026-01-27. Review status: criteria provided, single submitter. Criteria: Invitae Variant Classification Sherloc (09022015). Collection method: clinical testing. Allele origin: germline.
Comment: This sequence change replaces arginine, which is basic and polar, with histidine, which is basic and polar, at codon 224 of the EGFR protein (p.Arg224His). This variant is present in population databases (rs759106015, gnomAD 0.01%). This variant has not been reported in the literature in individuals affected with EGFR-related conditions. ClinVar contains an entry for this variant (Variation ID: 838678). Invitae Evidence Modeling of protein sequence and biophysical properties (such as structural, functional, and spatial information, amino acid conservation, physicochemical variation, residue mobility, and thermodynamic stability) indicates that this missense variant is not expected to disrupt EGFR protein function with a negative predictive value of 80%. In summary, the available evidence is currently insufficient to determine the role of this variant in disease. Therefore, it has been classified as a Variant of Uncertain Significance.

Ambry Genetics
Classification: Uncertain significance for Hereditary cancer-predisposing syndrome. Last evaluated: 2024-12-20. Review status: criteria provided, single submitter. Criteria: Ambry Variant Classification Scheme 2023. Collection method: clinical testing. Allele origin: germline.
Comment: The p.R224H variant (also known as c.671G>A), located in coding exon 6 of the EGFR gene, results from a G to A substitution at nucleotide position 671. The arginine at codon 224 is replaced by histidine, an amino acid with highly similar properties. This amino acid position is not well conserved in available vertebrate species. In addition, this alteration is predicted to be tolerated by in silico analysis. Based on the available evidence, the clinical significance of this variant remains unclear.

NM_005228.5(EGFR):c.671G>A (p.Arg224His)

Gene: EGFR (epidermal growth factor receptor; plus strand). Cytogenetic location: 7p11.2.
Variant type: single nucleotide variant.
Coding change: c.671G>A on transcript NM_005228.5 (MANE Select); coding-DNA position 671, G replaced by A.
Protein change: p.Arg224His; replaces arginine 224 with histidine.
Molecular consequence: missense variant. On other transcripts: intron variant (1).
Genome position (GRCh38, 1-based): chr7:55,152,588, G>A. VCF-style: chr7-55152588-G-A. GRCh37 (hg19) VCF-style: chr7-55220281-G-A.
Other names: c.536G>A, p.Arg179His (NM_001346897.2, NM_001346899.2); c.671G>A, p.Arg224His (NM_001346898.2, NM_201284.2, NM_201282.2 and 1 more transcripts); c.512G>A, p.Arg171His (NM_001346900.2); c.89-3242G>A (NM_001346941.2); short protein forms R224H, R171H, R179H.
Identifiers: ClinVar variation 838678 (VCV000838678.8), dbSNP rs759106015, ClinGen allele CA4265317.